The following is an entry in ClinVar:

ClinVar aggregate classification (germline): Pathogenic. Review status: criteria provided, multiple submitters, no conflicts (2 of 4 stars). 2 submissions from 2 submitters: Pathogenic (2). Last evaluated 2025-08-26.

Conditions:
Hereditary cancer-predisposing syndrome. Also called: Hereditary Cancer Syndrome; Hereditary neoplastic syndrome; Neoplastic Syndromes, Hereditary; Tumor predisposition. Identifiers: Orphanet 140162, MedGen C0027672, MeSH D009386, MONDO:0015356.

Submissions (2):

Ambry Genetics
Classification: Pathogenic for Hereditary cancer-predisposing syndrome. Last evaluated: 2025-08-26. Review status: criteria provided, single submitter. Criteria: Ambry Variant Classification Scheme 2023. Collection method: clinical testing. Allele origin: germline.
Comment: The c.4191_4213dup23 variant, located in coding exon 11 of the BRCA1 gene, results from a duplication of GGATACCATGCAACATAACCTGA at nucleotide position 4191, causing a translational frameshift with a predicted alternate stop codon (p.I1405Rfs*8). This variant is considered to be rare based on population cohorts in the Genome Aggregation Database (gnomAD). This alteration is expected to result in loss of function by premature protein truncation or nonsense-mediated mRNA decay. As such, this alteration is interpreted as a disease-causing mutation.

Color Diagnostics, LLC DBA Color Health
Classification: Pathogenic for Hereditary cancer-predisposing syndrome. Last evaluated: 2024-08-27. Review status: criteria provided, single submitter. Criteria: ACMG Guidelines, 2015. Collection method: clinical testing. Allele origin: germline.
Comment: This variant inserts 23 nucleotides in exon 12 of the BRCA1 gene, creating a frameshift and premature translation stop signal. This variant is expected to result in an absent or non-functional protein product. To our knowledge, this variant has not been reported in individuals affected with BRCA1-related disorders in the literature. This variant has not been identified in the general population by the Genome Aggregation Database (gnomAD). Loss of BRCA1 function is a known mechanism of disease. Based on the available evidence, this variant is classified as Pathogenic.

NM_007294.4(BRCA1):c.4191_4213dup (p.Ile1405delinsArgIleProCysAsnIleThrTer)

Gene: BRCA1 (BRCA1 DNA repair associated; minus strand). Cytogenetic location: 17q21.31.
Variant type: Duplication.
Coding change: c.4191_4213dup on transcript NM_007294.4 (MANE Select); coding-DNA positions 4191 to 4213, 23 bases duplicated (GGATACCATGCAACATAACCTGA).
Protein change: p.Ile1405delinsArgIleProCysAsnIleThrTer.
Molecular consequence: nonsense. On other transcripts: frameshift variant (366), non-coding transcript variant (1).
Genome position (GRCh38, 1-based): chr17:43,082,548-43,082,570, TCAGGTTATGTTGCATGGTATCC duplicated on the plus strand (GGATACCATGCAACATAACCTGA on the coding strand, the reverse complement: BRCA1 is on the minus strand). VCF-style (leftmost placement, unchanged base first): chr17-43082547-A-ATCAGGTTATGTTGCATGGTATCC. GRCh37 (hg19) VCF-style: chr17-41234564-A-ATCAGGTTATGTTGCATGGTATCC.
Other names: c.4047_4069dup, p.Ile1357Argfs (NM_001407850.1, NM_001407852.1, NM_001407851.1 and 23 more transcripts); c.4191_4213dup, p.Ile1405Argfs (NM_001407619.1, NM_001407621.1, NM_001407622.1 and 22 more transcripts); c.618_640dup, p.Ile214Argfs (NM_001408496.1, NM_001408497.1, NM_001408498.1 and 3 more transcripts); c.639_661dup, p.Ile221Argfs (NM_001408495.1); c.4188_4210dup, p.Ile1404Argfs (NM_001407860.1, NM_001407626.1, NM_001407861.1 and 21 more transcripts); c.4185_4207dup, p.Ile1403Argfs (NM_001407627.1, NM_001407628.1, NM_001407629.1 and 5 more transcripts); c.3978_4000dup, p.Ile1334Argfs (NM_001407853.1, NM_001407571.1, NM_001407894.1 and 12 more transcripts); c.4110_4132dup, p.Ile1378Argfs (NM_001407662.1, NM_001407663.1, NM_001407656.1 and 1 more transcripts); and 55 more.
Identifiers: ClinVar variation 1738572 (VCV001738572.4), dbSNP rs2551932759, ClinGen allele CA2580093814.